The following is an entry in ClinVar:

NM_001165.5(BIRC3):c.1588G>C (p.Asp530His)

Gene: BIRC3 (baculoviral IAP repeat containing 3; plus strand). Cytogenetic location: 11q22.2.
Variant type: single nucleotide variant.
Coding change: c.1588G>C on transcript NM_001165.5 (MANE Select); coding-DNA position 1588, G replaced by C.
Protein change: p.Asp530His; replaces aspartic acid 530 with histidine.
Molecular consequence: missense variant.
Genome position (GRCh38, 1-based): chr11:102,336,768, G>C. VCF-style: chr11-102336768-G-C. GRCh37 (hg19) VCF-style: chr11-102207499-G-C.
Other names: c.1588G>C, p.Asp530His (NM_182962.3); short protein forms D530H.
Identifiers: ClinVar variation 3906848 (VCV003906848.1), dbSNP rs749715948.

ClinVar aggregate classification (germline): Likely pathogenic (1 of 4 stars; one submission).

Conditions:
Regional enteritis. Also called: Enteritis, Granulomatous. Identifiers: MedGen C0678202, MeSH D003424.

gnomAD v4.1: 1 of 1,607,272 alleles (0.000062%); highest among the groups gnomAD compares: Non-Finnish European, 0.000085%; no homozygotes.

Submission:

Aleixo Muise Laboratory, Hospital For Sick Children
Classification: Likely pathogenic for Regional enteritis. Last evaluated: 2025-06-05. Review status: criteria provided, single submitter. Criteria: ACMG Guidelines, 2015. Collection method: research, in vitro. Allele origin: inherited, not applicable. Inheritance: Autosomal dominant inheritance. Affected: yes. Observed: 1 heterozygote. Functional consequence: loss_of_function_variant.
Comment: PP3 - Computational evidence based on FATHMM-MKL, SIFT, CADD v1.6; PM2 - Based on data from gnomAD v4